The following is an entry in ClinVar:

ClinVar aggregate classification (germline): Conflicting classifications of pathogenicity. Review status: criteria provided, conflicting classifications (1 of 4 stars). 3 submissions from 3 submitters: Uncertain significance (2); Likely benign (1). Last evaluated 2022-03-30.

Conditions:
Cardiovascular phenotype. Identifiers: MedGen CN230736.

Allele frequency attached by ClinVar (database versions not stated): ExAC below 0.00001; gnomAD 0.00001; gnomAD exomes 0.00001; TOPMed 0.00001.
gnomAD v4.1: 27 of 1,544,008 alleles (0.0017%); highest among the groups gnomAD compares: Non-Finnish European, 0.0023%; no homozygotes.

Submissions (3):

Ambry Genetics
Classification: Likely benign for Cardiovascular phenotype. Last evaluated: 2022-03-30. Review status: criteria provided, single submitter. Criteria: Ambry Variant Classification Scheme 2023. Collection method: clinical testing. Allele origin: germline.

Labcorp Genetics (formerly Invitae), Labcorp
Classification: Uncertain significance. Last evaluated: 2021-09-24. Review status: criteria provided, single submitter. Criteria: Invitae Variant Classification Sherloc (09022015). Collection method: clinical testing. Allele origin: germline.
Comment: This sequence change replaces alanine with threonine at codon 778 of the ZNF469 protein (p.Ala778Thr). The alanine residue is weakly conserved and there is a small physicochemical difference between alanine and threonine. The frequency data for this variant in the population databases is considered unreliable, as metrics indicate poor data quality at this position in the ExAC database. This variant has not been reported in the literature in individuals affected with ZNF469-related conditions. Algorithms developed to predict the effect of missense changes on protein structure and function output the following: SIFT: "Tolerated"; PolyPhen-2: "Benign"; Align-GVGD: "Class C0". The threonine amino acid residue is found in multiple mammalian species, which suggests that this missense change does not adversely affect protein function. In summary, the available evidence is currently insufficient to determine the role of this variant in disease. Therefore, it has been classified as a Variant of Uncertain Significance.

CeGaT Center for Human Genetics Tuebingen
Classification: Uncertain significance. Last evaluated: 2018-08-01. Review status: criteria provided, single submitter. Criteria: CeGaT Center For Human Genetics Tuebingen Variant Classification Criteria Version 2. Collection method: clinical testing. Allele origin: germline. Affected: yes. Observed: 1 variant allele.

NM_001367624.2(ZNF469):c.2332G>A (p.Ala778Thr)

Gene: ZNF469 (zinc finger protein 469; plus strand). Cytogenetic location: 16q24.2.
Variant type: single nucleotide variant.
Coding change: c.2332G>A on transcript NM_001367624.2 (MANE Select); coding-DNA position 2332, G replaced by A.
Protein change: p.Ala778Thr; replaces alanine 778 with threonine.
Molecular consequence: missense variant.
Genome position (GRCh38, 1-based): chr16:88,429,802, G>A. VCF-style: chr16-88429802-G-A. GRCh37 (hg19) VCF-style: chr16-88496210-G-A.
Other names: NM_001127464.1:c.2332G>A; short protein forms A778T.
Identifiers: ClinVar variation 808124 (VCV000808124.48), dbSNP rs761152033, ClinGen allele CA8224760.
Genomic context (GRCh38, chr16:88,429,802, plus strand): 5'-GCCAGGGCCAAGGATGGCCACCAGCGGTCTCCAGGCCCCCCTGGGCTCCCCTCGCCCCCC[G>A]CTGCCCCCAGAGTCCCTGCCGACGCACACGCGGGCTTGCTCAGCCACGCGAAGACCTTCC-3'
Protein context (NP_001354553.1, residues 768-788): PGPPGLPSPP[Ala778Thr]APRVPADAHA